The following is an entry in ClinVar:

ClinVar aggregate classification (germline): Uncertain significance (1 of 4 stars; one submission).

Conditions:
Cardiovascular phenotype. Identifiers: MedGen CN230736.

Submission:

Ambry Genetics
Classification: Uncertain significance for Cardiovascular phenotype. Last evaluated: 2021-11-15. Review status: criteria provided, single submitter. Criteria: Ambry Variant Classification Scheme 2023. Collection method: clinical testing. Allele origin: germline.
Comment: The p.K1398R variant (also known as c.4193A>G), located in coding exon 24 of the FLNC gene, results from an A to G substitution at nucleotide position 4193. The lysine at codon 1398 is replaced by arginine, an amino acid with highly similar properties. This amino acid position is well conserved in available vertebrate species. In addition, the in silico prediction for this alteration is inconclusive. Since supporting evidence is limited at this time, the clinical significance of this alteration remains unclear.

NM_001458.5(FLNC):c.4193A>G (p.Lys1398Arg)

Gene: FLNC (filamin C; plus strand). Cytogenetic location: 7q32.1.
Variant type: single nucleotide variant.
Coding change: c.4193A>G on transcript NM_001458.5 (MANE Select); coding-DNA position 4193, A replaced by G.
Protein change: p.Lys1398Arg; replaces lysine 1398 with arginine.
Molecular consequence: missense variant.
Genome position (GRCh38, 1-based): chr7:128,846,810, A>G. VCF-style: chr7-128846810-A-G. GRCh37 (hg19) VCF-style: chr7-128486864-A-G.
Other names: c.4193A>G, p.Lys1398Arg (NM_001127487.2); short protein forms K1398R.
Identifiers: ClinVar variation 1738586 (VCV001738586.2), dbSNP rs2536643621, ClinGen allele CA369200587.